The following is an entry in ClinVar:

ClinVar aggregate classification (germline): Uncertain significance. Review status: criteria provided, multiple submitters, no conflicts (2 of 4 stars). 3 submissions from 3 submitters: Uncertain significance (3). Last evaluated 2026-06-18.

Conditions:
Inborn genetic diseases. Identifiers: MedGen C0950123, MeSH D030342.

Allele frequency attached by ClinVar (database versions not stated): gnomAD 0.00005; ESP Exome Variant Server 0.00008; gnomAD exomes 0.00006; TOPMed 0.00008; ExAC 0.00016.
gnomAD v4.1: 93 of 1,613,786 alleles (0.0058%); highest among the groups gnomAD compares: Admixed American, 0.0083%; no homozygotes.

Submissions (3):

GeneDx
Classification: Uncertain significance. Last evaluated: 2026-06-18. Review status: criteria provided, single submitter. Criteria: GeneDx Variant Classification Process June 2021. Collection method: clinical testing. Allele origin: germline.
Comment: In silico analysis suggests that this missense variant does not alter protein structure/function; Has not been previously published as pathogenic or benign to our knowledge

Ambry Genetics
Classification: Uncertain significance for Inborn genetic diseases. Last evaluated: 2025-06-06. Review status: criteria provided, single submitter. Criteria: Ambry Variant Classification Scheme 2023. Collection method: clinical testing. Allele origin: germline.

Labcorp Genetics (formerly Invitae), Labcorp
Classification: Uncertain significance. Last evaluated: 2024-10-26. Review status: criteria provided, single submitter. Criteria: Invitae Variant Classification Sherloc (09022015). Collection method: clinical testing. Allele origin: germline.
Comment: This sequence change replaces glutamic acid, which is acidic and polar, with lysine, which is basic and polar, at codon 271 of the CDC14A protein (p.Glu271Lys). This variant is present in population databases (rs200731398, gnomAD 0.02%). This variant has not been reported in the literature in individuals affected with CDC14A-related conditions. ClinVar contains an entry for this variant (Variation ID: 2182738). Invitae Evidence Modeling of protein sequence and biophysical properties (such as structural, functional, and spatial information, amino acid conservation, physicochemical variation, residue mobility, and thermodynamic stability) indicates that this missense variant is not expected to disrupt CDC14A protein function with a negative predictive value of 80%. In summary, the available evidence is currently insufficient to determine the role of this variant in disease. Therefore, it has been classified as a Variant of Uncertain Significance.

NM_003672.4(CDC14A):c.811G>A (p.Glu271Lys)

Gene: CDC14A (cell division cycle 14A; plus strand). Cytogenetic location: 1p21.2.
Variant type: single nucleotide variant.
Coding change: c.811G>A on transcript NM_003672.4 (MANE Select); coding-DNA position 811, G replaced by A.
Protein change: p.Glu271Lys; replaces glutamic acid 271 with lysine.
Molecular consequence: missense variant. On other transcripts: 5 prime UTR variant (1).
Genome position (GRCh38, 1-based): chr1:100,462,854, G>A. VCF-style: chr1-100462854-G-A. GRCh37 (hg19) VCF-style: chr1-100928410-G-A.
Other names: c.811G>A, p.Glu271Lys (NM_001319210.2, NM_033312.3, NM_033313.3); c.637G>A, p.Glu213Lys (NM_001319211.2); c.-69G>A (NM_001319212.2); c.811G>A (NM_033312.2, NM_003672.3); short protein forms E213K, E271K.
Identifiers: ClinVar variation 2182738 (VCV002182738.7), dbSNP rs200731398, ClinGen allele CA970695.